The following is an entry in ClinVar:

NM_001080512.3(BICC1):c.2323T>A (p.Leu775Met)

Genes: BICC1 (BicC family RNA binding protein 1; plus strand), LOC126860938 (MED14-independent group 3 enhancer GRCh37_chr10:60566642-60567841; plus strand). Cytogenetic location: 10q21.1.
Variant type: single nucleotide variant.
Coding change: c.2323T>A on transcript NM_001080512.3 (MANE Select); coding-DNA position 2323, T replaced by A.
Protein change: p.Leu775Met; replaces leucine 775 with methionine.
Molecular consequence: missense variant.
Genome position (GRCh38, 1-based): chr10:58,807,105, T>A. VCF-style: chr10-58807105-T-A. GRCh37 (hg19) VCF-style: chr10-60566865-T-A.
Other names: c.2323T>A (NM_001080512.1); short protein forms L775M.
Identifiers: ClinVar variation 2628784 (VCV002628784.2), dbSNP rs781331473, ClinGen allele CA5508762.

ClinVar aggregate classification (germline): Uncertain significance. Review status: criteria provided, multiple submitters, no conflicts (2 of 4 stars). 2 submissions from 2 submitters: Uncertain significance (2). Last evaluated 2024-06-07.

Conditions:
BICC1-related disorder. Also called: BICC1-related condition.

Allele frequency attached by ClinVar (database versions not stated): ExAC 0.00001; gnomAD 0.00001; gnomAD exomes 0.00004.
gnomAD v4.1: 61 of 1,613,678 alleles (0.0038%); highest among the groups gnomAD compares: Non-Finnish European, 0.0051%; 1 homozygote.

Submissions (2):

Ambry Genetics
Classification: Uncertain significance. Last evaluated: 2024-06-07. Review status: criteria provided, single submitter. Criteria: Ambry Variant Classification Scheme 2023. Collection method: clinical testing. Allele origin: germline.

PreventionGenetics, part of Exact Sciences
Classification: Uncertain significance for BICC1-related condition. Last evaluated: 2023-09-13. Review status: criteria provided, single submitter. Criteria: ACMG Guidelines, 2015. Collection method: clinical testing. Allele origin: germline.
Comment: The BICC1 c.2323T>A variant is predicted to result in the amino acid substitution p.Leu775Met. To our knowledge, this variant has not been reported in the literature. This variant is reported in 0.0016% of alleles in individuals of European (Non-Finnish) descent in gnomAD. At this time, the clinical significance of this variant is uncertain due to the absence of conclusive functional and genetic evidence.